The following is an entry in ClinVar:

ClinVar aggregate classification (germline): Pathogenic (1 of 4 stars; one submission).

Conditions:
Methylmalonic acidemia with homocystinuria, type cblJ (MAHCJ). Also called: METHYLMALONIC ACIDURIA AND HOMOCYSTINURIA, cblJ TYPE. Identifiers: Orphanet 369955, MedGen C3553915, MONDO:0013925, OMIM 614857.

Submission:

Labcorp Genetics (formerly Invitae), Labcorp
Classification: Pathogenic for Methylmalonic acidemia with homocystinuria, type cblJ. Last evaluated: 2025-03-01. Review status: criteria provided, single submitter. Criteria: Invitae Variant Classification Sherloc (09022015). Collection method: clinical testing. Allele origin: germline.
Comment: This sequence change creates a premature translational stop signal (p.Gln215Argfs*17) in the ABCD4 gene. It is expected to result in an absent or disrupted protein product. Loss-of-function variants in ABCD4 are known to be pathogenic (PMID: 22922874). This variant is not present in population databases (gnomAD no frequency). This variant has not been reported in the literature in individuals affected with ABCD4-related conditions. For these reasons, this variant has been classified as Pathogenic.

Literature cited by the submitters: PubMed 22922874.

NM_005050.4(ABCD4):c.643del (p.Gln215fs)

Gene: ABCD4 (ATP binding cassette subfamily D member 4; minus strand). Cytogenetic location: 14q24.3.
Variant type: Deletion.
Coding change: c.643del on transcript NM_005050.4 (MANE Select); coding-DNA position 643, one base deleted (C; older notation c.643delC).
Protein change: p.Gln215fs; shifts the reading frame from glutamine 215.
Molecular consequence: frameshift variant. On other transcripts: 5 prime UTR variant (9), non-coding transcript variant (10), intron variant (2).
Genome position (GRCh38, 1-based): chr14:74,295,879, G deleted on the plus strand (C on the coding strand, the reverse complement: ABCD4 is on the minus strand). VCF-style (leftmost placement, unchanged base first): chr14-74295878-TG-T. GRCh37 (hg19) VCF-style: chr14-74762581-TG-T.
Other names: c.382del, p.Gln128fs (NM_001353593.2, NM_001353594.2); c.229del, p.Gln77fs (NM_001353595.2, NM_001353596.2, NM_001353597.2); c.166del, p.Gln56fs (NM_001353598.2, NM_001353599.2, NM_001353600.2 and 3 more transcripts); c.-52del (NM_001353602.2, NM_001353603.2, NM_001353604.2 and 6 more transcripts); c.643del, p.Gln215fs (NM_001440752.1, NM_001440753.1, NM_020325.3); c.370del, p.Gln124fs (NM_001440754.1); c.542+454del (NM_001353591.2, NM_001353592.2); short protein forms Q128fs, Q215fs, Q56fs, Q77fs, Q124fs.
Identifiers: ClinVar variation 4767717 (VCV004767717.1).